The following is an entry in ClinVar:

ClinVar aggregate classification (germline): Uncertain significance (1 of 4 stars; one submission).

Conditions:
Neuronal ceroid lipofuscinosis. Also called: Neuronal Ceroid Lipofuscinoses. Identifiers: Orphanet 216, Orphanet 79263, MedGen C0027877, MONDO:0016295. Disease mechanism: loss of function.

Submission:

Labcorp Genetics (formerly Invitae), Labcorp
Classification: Uncertain significance for Neuronal ceroid lipofuscinosis. Last evaluated: 2022-03-15. Review status: criteria provided, single submitter. Criteria: Invitae Variant Classification Sherloc (09022015). Collection method: clinical testing. Allele origin: germline.
Comment: This variant results in a copy number gain of the genomic region encompassing exon(s) 10-16 of the CLN3 gene. This region includes the termination codon of the gene. This copy number gain extends beyond the assayed region for this gene and therefore may encompass additional genes. As the precise location of this event is unknown, it may be in tandem or it may be located elsewhere in the genome. This variant has not been reported in the literature in individuals affected with CLN3-related conditions. In summary, the available evidence is currently insufficient to determine the role of this variant in disease. Therefore, it has been classified as a Variant of Uncertain Significance.

NC_000016.9:g.(?_28488837)_(28495459_?)dup

Gene: CLN3 (CLN3 lysosomal/endosomal transmembrane protein, battenin; minus strand). Cytogenetic location: 16p11.2.
Variant type: Duplication.
Identifiers: ClinVar variation 2423569 (VCV002423569.2).